The following is an entry in ClinVar:

NM_017780.4(CHD7):c.7171G>A (p.Ala2391Thr)

Gene: CHD7 (chromodomain helicase DNA binding protein 7; plus strand). Cytogenetic location: 8q12.2.
Variant type: single nucleotide variant.
Coding change: c.7171G>A on transcript NM_017780.4 (MANE Select); coding-DNA position 7171, G replaced by A.
Protein change: p.Ala2391Thr; replaces alanine 2391 with threonine.
Molecular consequence: missense variant. On other transcripts: intron variant (1).
Genome position (GRCh38, 1-based): chr8:60,856,451, G>A. VCF-style: chr8-60856451-G-A. GRCh37 (hg19) VCF-style: chr8-61769010-G-A.
Other names: c.1717-5778G>A (NM_001316690.1); short protein forms A2391T.
Identifiers: ClinVar variation 4690741 (VCV004690741.1).
Genomic context (GRCh38, chr8:60,856,451, plus strand): 5'-TAGCAGTACTGTTTTGGCTCACTGCAACTCTGTTCTGTTGGAATTTTTCAATAGGAAGAT[G>A]CCCTCAACCTCTCTGTCCCTCGCCAGCGGAGGAGGAGGAGGAGAAAAATCGAAATTGAGG-3'
Protein context (NP_060250.2, residues 2381-2401): TTSPQLSKED[Ala2391Thr]LNLSVPRQRR

ClinVar aggregate classification (germline): Uncertain significance (1 of 4 stars; one submission).

Conditions:
CHARGE syndrome (CHARGE). Also called: Hittner Hirsch Kreh syndrome; CHARGE ASSOCIATION--COLOBOMA, HEART ANOMALY, CHOANAL ATRESIA, RETARDATION, GENITAL AND EAR ANOMALIES; Coloboma, heart anomaly, choanal atresia, retardation, genital and ear anomalies; CHARGE association; Hall-Hittner syndrome. Identifiers: Orphanet 138, MedGen C0265354, MONDO:0008965.

gnomAD v4.1: 1 of 1,608,628 alleles (0.000062%); highest among the groups gnomAD compares: Non-Finnish European, 0.000085%; no homozygotes.

Submission:

Labcorp Genetics (formerly Invitae), Labcorp
Classification: Uncertain significance for CHARGE syndrome. Last evaluated: 2025-12-13. Review status: criteria provided, single submitter. Criteria: Invitae Variant Classification Sherloc (09022015). Collection method: clinical testing. Allele origin: germline.
Comment: This sequence change replaces alanine, which is neutral and non-polar, with threonine, which is neutral and polar, at codon 2391 of the CHD7 protein (p.Ala2391Thr). This variant is not present in population databases (gnomAD no frequency). This variant has not been reported in the literature in individuals affected with CHD7-related conditions. Invitae Evidence Modeling of protein sequence and biophysical properties (such as structural, functional, and spatial information, amino acid conservation, physicochemical variation, residue mobility, and thermodynamic stability) indicates that this missense variant is not expected to disrupt CHD7 protein function with a negative predictive value of 95%. In summary, the available evidence is currently insufficient to determine the role of this variant in disease. Therefore, it has been classified as a Variant of Uncertain Significance.